The following is an entry in ClinVar:

ClinVar aggregate classification (germline): Conflicting classifications of pathogenicity. Review status: criteria provided, conflicting classifications (1 of 4 stars). 3 submissions from 3 submitters: Uncertain significance (2); Benign (1). Last evaluated 2025-03-27.

Conditions:
Bethlem myopathy 1A. Also called: Bethlem myopathy 1; Bethlem Muscular Dystrophy; MYOPATHY, BENIGN CONGENITAL, WITH CONTRACTURES. Identifiers: Orphanet 610, MedGen CN029274, MONDO:0024530, OMIM 158810.

Allele frequency attached by ClinVar (database versions not stated): gnomAD exomes 0.00002 and 0.00004; ExAC 0.00004; gnomAD 0.00004; TOPMed 0.00006; ESP Exome Variant Server 0.00008.
gnomAD v4.1: 40 of 1,614,064 alleles (0.0025%); highest among the groups gnomAD compares: African/African-American, 0.0067%; no homozygotes.

Submissions (3):

Labcorp Genetics (formerly Invitae), Labcorp
Classification: Benign for Bethlem myopathy 1A. Last evaluated: 2025-03-27. Review status: criteria provided, single submitter. Criteria: Invitae Variant Classification Sherloc (09022015). Collection method: clinical testing. Allele origin: germline.

GeneDx
Classification: Uncertain significance. Last evaluated: 2023-06-27. Review status: criteria provided, single submitter. Criteria: GeneDx Variant Classification Process June 2021. Collection method: clinical testing. Allele origin: germline. Affected: yes.
Comment: In silico analysis supports that this missense variant has a deleterious effect on protein structure/function; Has not been previously published as pathogenic or benign to our knowledge

Revvity Omics, Revvity
Classification: Uncertain significance. Last evaluated: 2019-11-21. Review status: criteria provided, single submitter. Criteria: ACMG Guidelines, 2015. Collection method: clinical testing. Allele origin: germline.

NM_004369.4(COL6A3):c.8231C>T (p.Thr2744Met)

Gene: COL6A3 (collagen type VI alpha 3 chain; minus strand). Cytogenetic location: 2q37.3.
Variant type: single nucleotide variant.
Coding change: c.8231C>T on transcript NM_004369.4 (MANE Select); coding-DNA position 8231, C replaced by T.
Protein change: p.Thr2744Met; replaces threonine 2744 with methionine.
Molecular consequence: missense variant.
Genome position (GRCh38, 1-based): chr2:237,340,685, G>A on the plus strand (C>T on the coding strand, the complement: COL6A3 is on the minus strand). VCF-style: chr2-237340685-G-A. GRCh37 (hg19) VCF-style: chr2-238249328-G-A.
Other names: c.6410C>T, p.Thr2137Met (NM_057166.5); c.7613C>T, p.Thr2538Met (NM_057167.4); short protein forms T2137M, T2538M, T2744M.
Identifiers: ClinVar variation 1395572 (VCV001395572.10), dbSNP rs373680762, ClinGen allele CA2187596.